The following is an entry in ClinVar:

NM_001040142.2(SCN2A):c.5278A>G (p.Ile1760Val)

Gene: SCN2A (sodium voltage-gated channel alpha subunit 2; plus strand). Cytogenetic location: 2q24.3.
Variant type: single nucleotide variant.
Coding change: c.5278A>G on transcript NM_001040142.2 (MANE Select); coding-DNA position 5278, A replaced by G.
Protein change: p.Ile1760Val; replaces isoleucine 1760 with valine.
Molecular consequence: missense variant.
Genome position (GRCh38, 1-based): chr2:165,389,084, A>G. VCF-style: chr2-165389084-A-G. GRCh37 (hg19) VCF-style: chr2-166245594-A-G.
Other names: c.5278A>G, p.Ile1760Val (NM_001040143.2, NM_001371246.1, NM_001371247.1 and 1 more transcripts); short protein forms I1760V.
Identifiers: ClinVar variation 1047612 (VCV001047612.6), dbSNP rs1702022330, ClinGen allele CA349038609.

ClinVar aggregate classification (germline): Uncertain significance. Review status: criteria provided, multiple submitters, no conflicts (2 of 4 stars). 3 submissions from 3 submitters: Uncertain significance (3). Last evaluated 2024-12-16.

Conditions:
Seizures, benign familial infantile, 3 (BFIS3). Also called: CONVULSIONS, BENIGN FAMILIAL INFANTILE, 3; Familial neonatal seizures. Identifiers: Orphanet 140927, Orphanet 306, MedGen C1843140, MONDO:0011904, OMIM 607745.
Episodic ataxia, type 9. Identifiers: MedGen C5394520, MONDO:0030064, OMIM 618924.
Developmental and epileptic encephalopathy, 11 (DEE11). Also called: Early infantile epileptic encephalopathy 11. Identifiers: Orphanet 1934, MedGen C3150987, MONDO:0013388, OMIM 613721.

Submissions (3):

GeneDx
Classification: Uncertain significance. Last evaluated: 2024-12-16. Review status: criteria provided, single submitter. Criteria: GeneDx Variant Classification Process June 2021. Collection method: clinical testing. Allele origin: germline. Affected: yes.
Comment: Not observed at significant frequency in large population cohorts (gnomAD); In silico analysis indicates that this missense variant does not alter protein structure/function; Has not been previously published as pathogenic or benign to our knowledge; This substitution is predicted to be within the transmembrane segment S6 of the fourth homologous domain

Labcorp Genetics (formerly Invitae), Labcorp
Classification: Uncertain significance for Seizures, benign familial infantile, 3; Developmental and epileptic encephalopathy, 11. Last evaluated: 2021-08-27. Review status: criteria provided, single submitter. Criteria: Invitae Variant Classification Sherloc (09022015). Collection method: clinical testing. Allele origin: germline.

Fulgent Genetics
Classification: Uncertain significance for Seizures, benign familial infantile, 3; Developmental and epileptic encephalopathy, 11; Episodic ataxia, type 9. Last evaluated: 2021-07-02. Review status: criteria provided, single submitter. Criteria: ACMG Guidelines, 2015. Collection method: clinical testing. Allele origin: unknown.